The following is an entry in ClinVar:

ClinVar aggregate classification (germline): Uncertain significance. Review status: criteria provided, multiple submitters, no conflicts (2 of 4 stars). 2 submissions from 2 submitters: Uncertain significance (2). Last evaluated 2022-08-21.

Conditions:
Spastic paraplegia. Identifiers: MedGen C0037772, HP:0001258.

Allele frequency attached by ClinVar (database versions not stated): gnomAD exomes 0.00001.
gnomAD v4.1: 3 of 1,613,362 alleles (0.00019%); highest among the groups gnomAD compares: Admixed American, 0.005%; no homozygotes.

Submissions (2):

Labcorp Genetics (formerly Invitae), Labcorp
Classification: Uncertain significance for Spastic paraplegia. Last evaluated: 2022-08-21. Review status: criteria provided, single submitter. Criteria: Invitae Variant Classification Sherloc (09022015). Collection method: clinical testing. Allele origin: germline.
Comment: This sequence change replaces glycine, which is neutral and non-polar, with arginine, which is basic and polar, at codon 189 of the CYP2U1 protein (p.Gly189Arg). This variant is present in population databases (no rsID available, gnomAD 0.006%). This variant has not been reported in the literature in individuals affected with CYP2U1-related conditions. ClinVar contains an entry for this variant (Variation ID: 1312288). Advanced modeling of protein sequence and biophysical properties (such as structural, functional, and spatial information, amino acid conservation, physicochemical variation, residue mobility, and thermodynamic stability) performed at Invitae indicates that this missense variant is expected to disrupt CYP2U1 protein function. In summary, the available evidence is currently insufficient to determine the role of this variant in disease. Therefore, it has been classified as a Variant of Uncertain Significance.

GeneDx
Classification: Uncertain significance. Last evaluated: 2021-01-08. Review status: criteria provided, single submitter. Criteria: GeneDx Variant Classification Process June 2021. Collection method: clinical testing. Allele origin: germline. Affected: yes.
Comment: Has not been previously published as pathogenic or benign to our knowledge; Not observed at a significant frequency in large population cohorts (Lek et al., 2016); In silico analysis, which includes protein predictors and evolutionary conservation, supports a deleterious effect

NM_183075.3(CYP2U1):c.565G>C (p.Gly189Arg)

Gene: CYP2U1 (cytochrome P450 family 2 subfamily U member 1; plus strand). Cytogenetic location: 4q25.
Variant type: single nucleotide variant.
Coding change: c.565G>C on transcript NM_183075.3 (MANE Select); coding-DNA position 565, G replaced by C.
Protein change: p.Gly189Arg; replaces glycine 189 with arginine.
Molecular consequence: missense variant.
Genome position (GRCh38, 1-based): chr4:107,945,044, G>C. VCF-style: chr4-107945044-G-C. GRCh37 (hg19) VCF-style: chr4-108866200-G-C.
Other names: short protein forms G189R.
Identifiers: ClinVar variation 1312288 (VCV001312288.3), dbSNP rs1401706343, ClinGen allele CA357836445.
Genomic context (GRCh38, chr4:107,945,044, plus strand): 5'-CATTATGGTCCCGTCTGGAGACAACAAAGGAAGTTCTCTCATTCAACTCTTCGTCATTTT[G>C]GGTTGGGAAAACTTAGCTTGGAGCCCAAGATTATTGAGGAGTTCAAATATGTGAAAGCAG-3'
Protein context (NP_898898.1, residues 179-199): KFSHSTLRHF[Gly189Arg]LGKLSLEPKI